The following is an entry in ClinVar:

NM_005359.6(SMAD4):c.1545A>G (p.Arg515=)

Gene: SMAD4 (SMAD family member 4; plus strand). Cytogenetic location: 18q21.2.
Variant type: single nucleotide variant.
Coding change: c.1545A>G on transcript NM_005359.6 (MANE Select); coding-DNA position 1545, A replaced by G.
Protein change: p.Arg515=; no amino-acid change (arginine 515 retained).
Molecular consequence: synonymous variant.
Genome position (GRCh38, 1-based): chr18:51,078,353, A>G. VCF-style: chr18-51078353-A-G. GRCh37 (hg19) VCF-style: chr18-48604723-A-G.
Identifiers: ClinVar variation 460541 (VCV000460541.25), dbSNP rs760840557, ClinGen allele CA8966104.

ClinVar aggregate classification (germline): Conflicting classifications of pathogenicity. Review status: criteria provided, conflicting classifications (1 of 4 stars). 9 submissions from 7 submitters: Uncertain significance (3); Benign (1); Likely benign (5). Last evaluated 2025-12-26.

Conditions:
Hereditary cancer-predisposing syndrome. Also called: Neoplastic Syndromes, Hereditary; Hereditary Cancer Syndrome; Hereditary neoplastic syndrome; Tumor predisposition. Identifiers: Orphanet 140162, MedGen C0027672, MeSH D009386, MONDO:0015356.
Familial thoracic aortic aneurysm and aortic dissection (TAAD). Also called: Thoracic aortic aneurysms and dissections. Identifiers: Orphanet 91387, MedGen C4707243, MONDO:0019625.
Juvenile polyposis syndrome (JPS). Identifiers: Orphanet 2929, MedGen C0345893, MONDO:0017380, OMIM 174900.
Myhre syndrome (MYHRS). Also called: LARYNGOTRACHEAL STENOSIS, ARTHROPATHY, PROGNATHISM, AND SHORT STATURE; LAPS SYNDROME. Identifiers: Orphanet 2588, MedGen C0796081, MONDO:0007688, OMIM 139210.
Generalized juvenile polyposis/juvenile polyposis coli. Also called: Juvenile polyposis coli. Identifiers: Orphanet 329971, MedGen C1868081, MONDO:0008276.
Juvenile polyposis/hereditary hemorrhagic telangiectasia syndrome (JPHT). Also called: POLYPOSIS, GENERALIZED JUVENILE, WITH PULMONARY ARTERIOVENOUS MALFORMATION; TELANGIECTASIA, HEREDITARY HEMORRHAGIC, WITH JUVENILE POLYPOSIS COLI; Juvenile Polyposis Syndrome / Hereditary Hemorrhagic Telangiectasia (JPS/HHT); JP/HHT SYNDROME; JUVENILE POLYPOSIS WITH HEREDITARY HEMORRHAGIC TELANGIECTASIA. Identifiers: Orphanet 2929, MedGen C1832942, MONDO:0008278, OMIM 175050.

Allele frequency attached by ClinVar (database versions not stated): gnomAD exomes below 0.00001 and 0.00001; ExAC 0.00001.
gnomAD v4.1: 7 of 1,614,182 alleles (0.00043%); highest among the groups gnomAD compares: Non-Finnish European, 0.00059%; no homozygotes.

Submissions (9):

Labcorp Genetics (formerly Invitae), Labcorp
Classification: Likely benign for Juvenile polyposis syndrome. Last evaluated: 2025-12-26. Review status: criteria provided, single submitter. Criteria: Invitae Variant Classification Sherloc (09022015). Collection method: clinical testing. Allele origin: germline.

Myriad Genetics, Inc.
Classification: Benign for Juvenile polyposis/hereditary hemorrhagic telangiectasia syndrome. Last evaluated: 2025-03-24. Review status: criteria provided, single submitter. Criteria: Myriad Autosomal Dominant, Autosomal Recessive and X-Linked Classification Criteria (2023). Collection method: clinical testing. Allele origin: unknown.
Comment: This variant is considered benign. This variant is a silent/synonymous amino acid change and it is not expected to impact splicing.

Ambry Genetics
Classification: Likely benign for Hereditary cancer-predisposing syndrome; Familial thoracic aortic aneurysm and aortic dissection. Last evaluated: 2024-12-25. Review status: criteria provided, single submitter. Criteria: Ambry Variant Classification Scheme 2023. Collection method: clinical testing. Allele origin: germline.

All of Us Research Program, National Institutes of Health
Classification: Likely benign for Juvenile polyposis/hereditary hemorrhagic telangiectasia syndrome. Last evaluated: 2023-03-28. Review status: criteria provided, single submitter. Criteria: ACMG Guidelines, 2015. Collection method: clinical testing. Allele origin: germline. Inheritance: Autosomal dominant inheritance. Observed: 1 variant allele, 1 heterozygote.
Comment: This study involves interpretation of variants in research participants for the purpose of population health screening. Participant phenotype was not available at the time of variant classification. Additional details can be found in publication PMID: 35346344, PMCID: PMC8962531

Color Diagnostics, LLC DBA Color Health
Classification: Likely benign for Hereditary cancer-predisposing syndrome. Last evaluated: 2017-07-28. Review status: criteria provided, single submitter. Criteria: ACMG Guidelines, 2015. Collection method: clinical testing. Allele origin: germline.

GeneDx
Classification: Likely benign. Last evaluated: 2017-07-20. Review status: criteria provided, single submitter. Criteria: GeneDx Variant Classification (06012015). Collection method: clinical testing. Allele origin: germline. Affected: yes.
Comment: This variant is considered likely benign or benign based on one or more of the following criteria: it is a conservative change, it occurs at a poorly conserved position in the protein, it is predicted to be benign by multiple in silico algorithms, and/or has population frequency not consistent with disease.

Illumina Laboratory Services, Illumina
Classification: Uncertain significance for Myhre syndrome. Last evaluated: 2017-04-28. Review status: criteria provided, single submitter. Criteria: ICSL Variant Classification Criteria 13 December 2019. Collection method: clinical testing. Allele origin: germline.

Illumina Laboratory Services, Illumina
Classification: Uncertain significance for Juvenile polyposis/hereditary hemorrhagic telangiectasia syndrome. Last evaluated: 2017-04-28. Review status: criteria provided, single submitter. Criteria: ICSL Variant Classification Criteria 13 December 2019. Collection method: clinical testing. Allele origin: germline.

Illumina Laboratory Services, Illumina
Classification: Uncertain significance for Juvenile polyposis syndrome. Last evaluated: 2017-04-28. Review status: criteria provided, single submitter. Criteria: ICSL Variant Classification Criteria 13 December 2019. Collection method: clinical testing. Allele origin: germline.